The following is an entry in ClinVar:

NM_153700.2(STRC):c.3109C>A (p.Leu1037Met)

Gene: STRC (stereocilin; minus strand). Cytogenetic location: 15q15.3.
Variant type: single nucleotide variant.
Coding change: c.3109C>A on transcript NM_153700.2 (MANE Select); coding-DNA position 3109, C replaced by A.
Protein change: p.Leu1037Met; replaces leucine 1037 with methionine.
Molecular consequence: missense variant.
Genome position (GRCh38, 1-based): chr15:43,611,528, G>T on the plus strand (C>A on the coding strand, the complement: STRC is on the minus strand). VCF-style: chr15-43611528-G-T. GRCh37 (hg19) VCF-style: chr15-43903726-G-T.
Other names: short protein forms L1037M.
Identifiers: ClinVar variation 4980512 (VCV004980512.1).

ClinVar aggregate classification (germline): Uncertain significance (1 of 4 stars; one submission).

Conditions:
STRC-related disorder. Also called: STRC-related condition.

Submission:

PreventionGenetics, part of Exact Sciences
Classification: Uncertain significance for STRC-related condition. Last evaluated: 2026-09-04. Review status: criteria provided, single submitter. Criteria: ACMG Guidelines, 2015. Collection method: clinical testing. Allele origin: germline.
Comment: The STRC c.3109C>A variant is predicted to result in the amino acid substitution p.Leu1037Met. To our knowledge, this variant has not been reported in the literature. This variant is reported in 0.0098% of alleles in individuals of European (Non-Finnish) descent in gnomAD. At this time, the clinical significance of this variant is uncertain due to the absence of conclusive functional and genetic evidence.